The following is an entry in ClinVar:

NM_001029896.2(WDR45):c.759C>T (p.Cys253=)

Gene: WDR45 (WD repeat domain 45; minus strand). Cytogenetic location: Xp11.23.
Variant type: single nucleotide variant.
Coding change: c.759C>T on transcript NM_001029896.2 (MANE Select); coding-DNA position 759, C replaced by T.
Protein change: p.Cys253=; no amino-acid change (cysteine 253 retained).
Molecular consequence: synonymous variant.
Genome position (GRCh38, 1-based): chrX:49,075,432, G>A on the plus strand (C>T on the coding strand, the complement: WDR45 is on the minus strand). VCF-style: chrX-49075432-G-A. GRCh37 (hg19) VCF-style: chrX-48933091-G-A.
Other names: c.762C>T, p.Cys254= (NM_007075.4).
Identifiers: ClinVar variation 763580 (VCV000763580.12), dbSNP rs782478405, ClinGen allele CA10408472.

ClinVar aggregate classification (germline): Likely benign. Review status: criteria provided, multiple submitters, no conflicts (2 of 4 stars). 3 submissions from 3 submitters: Likely benign (3). Last evaluated 2026-06-01.

Conditions:
Inborn genetic diseases. Identifiers: MedGen C0950123, MeSH D030342.
Neurodegeneration with brain iron accumulation 5 (NBIA5). Also called: Beta-propeller protein-associated neurodegeneration; STATIC ENCEPHALOPATHY OF CHILDHOOD WITH NEURODEGENERATION IN ADULTHOOD. Identifiers: Orphanet 329284, MedGen C3550973, MONDO:0010476, OMIM 300894.

Allele frequency attached by ClinVar (database versions not stated): gnomAD exomes 0.00001 and 0.00003; gnomAD 0.00003; TOPMed 0.00003; ExAC 0.00004.

Submissions (3):

CeGaT Center for Human Genetics Tuebingen
Classification: Likely benign. Last evaluated: 2026-06-01. Review status: criteria provided, single submitter. Criteria: CeGaT Center For Human Genetics Tuebingen Variant Classification Criteria Version 2. Collection method: clinical testing. Allele origin: germline. Affected: yes. Observed: 1 variant allele.
Comment: WDR45: BS2

Labcorp Genetics (formerly Invitae), Labcorp
Classification: Likely benign for Neurodegeneration with brain iron accumulation 5. Last evaluated: 2025-02-11. Review status: criteria provided, single submitter. Criteria: Invitae Variant Classification Sherloc (09022015). Collection method: clinical testing. Allele origin: germline.

Ambry Genetics
Classification: Likely benign for Inborn genetic diseases. Last evaluated: 2018-02-01. Review status: criteria provided, single submitter. Criteria: Ambry Variant Classification Scheme 2023. Collection method: clinical testing. Allele origin: germline.